The following is an entry in ClinVar:

NM_001267550.2(TTN):c.63879C>A (p.Asp21293Glu)

Genes: TTN (titin; minus strand), TTN-AS1 (TTN antisense RNA 1; plus strand). Cytogenetic location: 2q31.2.
Variant type: single nucleotide variant.
Coding change: c.63879C>A on transcript NM_001267550.2 (MANE Select); coding-DNA position 63879, C replaced by A.
Protein change: p.Asp21293Glu; replaces aspartic acid 21293 with glutamic acid.
Molecular consequence: missense variant.
Genome position (GRCh38, 1-based): chr2:178,587,332, G>T on the plus strand (C>A on the coding strand, the complement: TTN is on the minus strand). VCF-style: chr2-178587332-G-T. GRCh37 (hg19) VCF-style: chr2-179452059-G-T.
Other names: c.58956C>A, p.Asp19652Glu (NM_001256850.1); c.36684C>A, p.Asp12228Glu (NM_003319.4); c.56175C>A, p.Asp18725Glu (NM_133378.4); c.37059C>A, p.Asp12353Glu (NM_133432.3); c.37260C>A, p.Asp12420Glu (NM_133437.4); short protein forms D12228E, D12353E, D12420E, D18725E, D19652E, D21293E.
Identifiers: ClinVar variation 4537837 (VCV004537837.1).

ClinVar aggregate classification (germline): Uncertain significance (1 of 4 stars; one submission).

gnomAD v4.1: 6 of 1,612,642 alleles (0.00037%); highest among the groups gnomAD compares: Admixed American, 0.01%; no homozygotes.

Submission:

GeneDx
Classification: Uncertain significance. Last evaluated: 2025-06-10. Review status: criteria provided, single submitter. Criteria: GeneDx Variant Classification Process June 2021. Collection method: clinical testing. Allele origin: germline. Affected: yes.
Comment: Not observed at significant frequency in large population cohorts (gnomAD); Missense variant in a gene in which most reported pathogenic variants are truncating/loss of function; Has not been previously published as pathogenic or benign to our knowledge